The following is an entry in ClinVar:

NM_019040.5(ELP4):c.1241T>C (p.Met414Thr)

Gene: ELP4 (elongator acetyltransferase complex subunit 4; plus strand). Cytogenetic location: 11p13.
Variant type: single nucleotide variant.
Coding change: c.1241T>C on transcript NM_019040.5 (MANE Select); coding-DNA position 1241, T replaced by C.
Protein change: p.Met414Thr; replaces methionine 414 with threonine.
Molecular consequence: missense variant. On other transcripts: synonymous variant (1), 3 prime UTR variant (1).
Genome position (GRCh38, 1-based): chr11:31,783,490, T>C. VCF-style: chr11-31783490-T-C. GRCh37 (hg19) VCF-style: chr11-31805038-T-C.
Other names: c.1383T>C, p.His461= (NM_001288725.2); c.*61T>C (NM_001288726.2); c.1241T>C (NM_019040.3); short protein forms M414T.
Identifiers: ClinVar variation 707044 (VCV000707044.11), dbSNP rs200018893, ClinGen allele CA5933580.

ClinVar aggregate classification (germline): Conflicting classifications of pathogenicity. Review status: criteria provided, conflicting classifications (1 of 4 stars). 3 submissions from 3 submitters: Uncertain significance (1); Likely benign (1). 1 of the submissions does not count toward it. Last evaluated 2026-01-15.

Conditions:
ELP4-related disorder. Also called: ELP4-related condition.

Allele frequency attached by ClinVar (database versions not stated): gnomAD exomes 0.00081; ExAC 0.00080; gnomAD 0.00103 and 0.00097; TOPMed 0.00107; ESP Exome Variant Server 0.00148.
gnomAD v4.1: 2,330 of 1,613,982 alleles (0.14%); highest among the groups gnomAD compares: Non-Finnish European, 0.18%; 3 homozygotes.

Submissions (3):

Labcorp Genetics (formerly Invitae), Labcorp
Classification: Likely benign. Last evaluated: 2026-01-15. Review status: criteria provided, single submitter. Criteria: Invitae Variant Classification Sherloc (09022015). Collection method: clinical testing. Allele origin: germline.

Ambry Genetics
Classification: Uncertain significance. Last evaluated: 2021-10-26. Review status: criteria provided, single submitter. Criteria: Ambry Variant Classification Scheme 2023. Collection method: clinical testing. Allele origin: germline.

PreventionGenetics, part of Exact Sciences
Classification: Likely benign for ELP4-related condition. Last evaluated: 2023-05-18. Review status: no assertion criteria provided. Collection method: clinical testing. Allele origin: germline. Not counted in ClinVar's aggregate classification.
Comment: This variant is classified as likely benign based on ACMG/AMP sequence variant interpretation guidelines (Richards et al. 2015 PMID: 25741868, with internal and published modifications).